The following is an entry in ClinVar:

NM_013254.4(TBK1):c.608A>G (p.Asp203Gly)

Gene: TBK1 (TANK binding kinase 1; plus strand). Cytogenetic location: 12q14.2.
Variant type: single nucleotide variant.
Coding change: c.608A>G on transcript NM_013254.4 (MANE Select); coding-DNA position 608, A replaced by G.
Protein change: p.Asp203Gly; replaces aspartic acid 203 with glycine.
Molecular consequence: missense variant.
Genome position (GRCh38, 1-based): chr12:64,474,297, A>G. VCF-style: chr12-64474297-A-G. GRCh37 (hg19) VCF-style: chr12-64868077-A-G.
Other names: short protein forms D203G.
Identifiers: ClinVar variation 3256750 (VCV003256750.1).
Genomic context (GRCh38, chr12:64,474,297, plus strand): 5'-ATATGTATGAGAGAGCAGTGCTAAGAAAAGATCATCAGAAGAAATATGGAGCAACAGTTG[A>G]TCTTTGGAGCATTGGGGTAACATTTTACCATGCAGCTACTGGATCACTGCCATTTAGACC-3'
Protein context (NP_037386.1, residues 193-213): DHQKKYGATV[Asp203Gly]LWSIGVTFYH

ClinVar aggregate classification (germline): Likely pathogenic (0 of 4 stars; one submission).

Conditions:
Frontotemporal dementia and/or amyotrophic lateral sclerosis 4. Also called: FTDALS4. Identifiers: Orphanet 275872, MedGen C4225325, MONDO:0014641, OMIM 616439.

Submission:

Solve-RD Consortium
Classification: Likely pathogenic for Frontotemporal dementia and/or amyotrophic lateral sclerosis 4. Last evaluated: 2022-06-01. Review status: no assertion criteria provided. Collection method: provider interpretation. Allele origin: inherited. Affected: yes.
Comment: Variant confirmed as disease-causing by referring clinical team

Variant identified during reanalysis of unsolved cases by the Solve-RD project. The Solve-RD project has received funding from the European Union’s Horizon 2020 research and innovation programme under grant agreement No 779257.

Literature cited by the submitters: PubMed 39825153.